The following is an entry in ClinVar:

NM_020800.3(IFT80):c.1868T>C (p.Met623Thr)

Genes: IFT80 (intraflagellar transport 80; minus strand), TRIM59-IFT80 (TRIM59-IFT80 readthrough (NMD candidate); minus strand). Cytogenetic location: 3q25.33.
Variant type: single nucleotide variant.
Coding change: c.1868T>C on transcript NM_020800.3 (MANE Select); coding-DNA position 1868, T replaced by C.
Protein change: p.Met623Thr; replaces methionine 623 with threonine.
Molecular consequence: missense variant. On other transcripts: non-coding transcript variant (3).
Genome position (GRCh38, 1-based): chr3:160,277,639, A>G on the plus strand (T>C on the coding strand, the complement: IFT80 is on the minus strand). VCF-style: chr3-160277639-A-G. GRCh37 (hg19) VCF-style: chr3-159995427-A-G.
Other names: c.1457T>C, p.Met486Thr (NM_001190241.2, NM_001190242.2); short protein forms M486T, M623T.
Identifiers: ClinVar variation 1372387 (VCV001372387.5), dbSNP rs1441644666, ClinGen allele CA355190635.

ClinVar aggregate classification (germline): Uncertain significance (1 of 4 stars; one submission).

Conditions:
Jeune thoracic dystrophy. Also called: Jeune syndrome; Infantile thoracic dystrophy; Thoracic pelvic phalangeal dystrophy; Jeune's syndrome; Chondroectodermal dysplasia-like syndrome; Short-rib thoracic dysplasia. Identifiers: Orphanet 474, MedGen C0265275, MONDO:0018770.

Allele frequency attached by ClinVar (database versions not stated): gnomAD exomes below 0.00001; TOPMed 0.00001.
gnomAD v4.1: 1 of 1,613,738 alleles (0.000062%); highest among the groups gnomAD compares: Non-Finnish European, 0.000085%; no homozygotes.

Submission:

Labcorp Genetics (formerly Invitae), Labcorp
Classification: Uncertain significance for Jeune thoracic dystrophy. Last evaluated: 2024-01-15. Review status: criteria provided, single submitter. Criteria: Invitae Variant Classification Sherloc (09022015). Collection method: clinical testing. Allele origin: germline.
Comment: This sequence change replaces methionine, which is neutral and non-polar, with threonine, which is neutral and polar, at codon 623 of the IFT80 protein (p.Met623Thr). This variant is not present in population databases (gnomAD no frequency). This variant has not been reported in the literature in individuals affected with IFT80-related conditions. ClinVar contains an entry for this variant (Variation ID: 1372387). Advanced modeling of protein sequence and biophysical properties (such as structural, functional, and spatial information, amino acid conservation, physicochemical variation, residue mobility, and thermodynamic stability) performed at Invitae indicates that this missense variant is not expected to disrupt IFT80 protein function with a negative predictive value of 80%. In summary, the available evidence is currently insufficient to determine the role of this variant in disease. Therefore, it has been classified as a Variant of Uncertain Significance.